The following is an entry in ClinVar:

ClinVar aggregate classification (germline): Uncertain significance. Review status: criteria provided, multiple submitters, no conflicts (2 of 4 stars). 2 submissions from 2 submitters: Uncertain significance (2). Last evaluated 2023-05-24.

Allele frequency attached by ClinVar (database versions not stated): gnomAD exomes below 0.00001; TOPMed below 0.00001; gnomAD 0.00001.
gnomAD v4.1: 7 of 1,613,926 alleles (0.00043%); highest among the groups gnomAD compares: African/African-American, 0.0027%; no homozygotes.

Submissions (2):

Ambry Genetics
Classification: Uncertain significance. Last evaluated: 2023-05-24. Review status: criteria provided, single submitter. Criteria: Ambry Variant Classification Scheme 2023. Collection method: clinical testing. Allele origin: germline.

Labcorp Genetics (formerly Invitae), Labcorp
Classification: Uncertain significance. Last evaluated: 2022-05-04. Review status: criteria provided, single submitter. Criteria: Invitae Variant Classification Sherloc (09022015). Collection method: clinical testing. Allele origin: germline.
Comment: This sequence change replaces arginine, which is basic and polar, with glutamine, which is neutral and polar, at codon 731 of the SBF1 protein (p.Arg731Gln). This variant is present in population databases (no rsID available, gnomAD 0.008%). This variant has not been reported in the literature in individuals affected with SBF1-related conditions. Algorithms developed to predict the effect of missense changes on protein structure and function are either unavailable or do not agree on the potential impact of this missense change (SIFT: "Tolerated"; PolyPhen-2: "Possibly Damaging"; Align-GVGD: "Class C0"). In summary, the available evidence is currently insufficient to determine the role of this variant in disease. Therefore, it has been classified as a Variant of Uncertain Significance.

NM_002972.4(SBF1):c.2192G>A (p.Arg731Gln)

Gene: SBF1 (SET binding factor 1; minus strand). Cytogenetic location: 22q13.33.
Variant type: single nucleotide variant.
Coding change: c.2192G>A on transcript NM_002972.4 (MANE Select); coding-DNA position 2192, G replaced by A.
Protein change: p.Arg731Gln; replaces arginine 731 with glutamine.
Molecular consequence: missense variant.
Genome position (GRCh38, 1-based): chr22:50,462,409, C>T on the plus strand (G>A on the coding strand, the complement: SBF1 is on the minus strand). VCF-style: chr22-50462409-C-T. GRCh37 (hg19) VCF-style: chr22-50900838-C-T.
Other names: c.2192G>A, p.Arg731Gln (NM_197971.1, NM_001410795.1); c.2192G>A (NM_002972.2); c.2195G>A, p.Arg732Gln (NM_001365819.1, NM_001410794.1); short protein forms R731Q, R732Q.
Identifiers: ClinVar variation 1905528 (VCV001905528.4), dbSNP rs1000291288, ClinGen allele CA325532652.